The following is an entry in ClinVar:

NM_030962.4(SBF2):c.1415T>A (p.Met472Lys)

Gene: SBF2 (SET binding factor 2; minus strand). Cytogenetic location: 11p15.4.
Variant type: single nucleotide variant.
Coding change: c.1415T>A on transcript NM_030962.4 (MANE Select); coding-DNA position 1415, T replaced by A.
Protein change: p.Met472Lys; replaces methionine 472 with lysine.
Molecular consequence: missense variant.
Genome position (GRCh38, 1-based): chr11:9,968,526, A>T on the plus strand (T>A on the coding strand, the complement: SBF2 is on the minus strand). VCF-style: chr11-9968526-A-T. GRCh37 (hg19) VCF-style: chr11-9990073-A-T.
Other names: c.1415T>A, p.Met472Lys (NM_001386339.1); c.1286T>A, p.Met429Lys (NM_001386342.1); c.1451T>A, p.Met484Lys (NM_001424318.1, NM_001425069.1, NM_001425070.1); short protein forms M429K, M472K, M484K.
Identifiers: ClinVar variation 4822113 (VCV004822113.4).

ClinVar aggregate classification (germline): Uncertain significance (1 of 4 stars; one submission).

gnomAD v4.1: 9 of 1,613,892 alleles (0.00056%); highest among the groups gnomAD compares: Non-Finnish European, 0.00076%; no homozygotes.

Submission:

CeGaT Center for Human Genetics Tuebingen
Classification: Uncertain significance. Last evaluated: 2026-02-01. Review status: criteria provided, single submitter. Criteria: CeGaT Center For Human Genetics Tuebingen Variant Classification Criteria Version 2. Collection method: clinical testing. Allele origin: germline. Affected: yes. Observed: 1 variant allele.
Comment: SBF2: PM2, PM3:Supporting